The following is an entry in ClinVar:

ClinVar aggregate classification (germline): Uncertain significance. Review status: criteria provided, multiple submitters, no conflicts (2 of 4 stars). 2 submissions from 2 submitters: Uncertain significance (2). Last evaluated 2025-03-26.

Conditions:
MAP1A-related disorder. Also called: MAP1A-related condition.

Submissions (2):

PreventionGenetics, part of Exact Sciences
Classification: Uncertain significance for MAP1A-related condition. Last evaluated: 2025-03-26. Review status: criteria provided, single submitter. Criteria: ACMG Guidelines, 2015. Collection method: clinical testing. Allele origin: germline.
Comment: The MAP1A c.7570T>A variant is predicted to result in the amino acid substitution p.Ser2524Thr. To our knowledge, this variant has not been reported in the literature or in a large population database, indicating this variant is rare. At this time, the clinical significance of this variant is uncertain due to the absence of conclusive functional and genetic evidence.

Ambry Genetics
Classification: Uncertain significance. Last evaluated: 2024-05-20. Review status: criteria provided, single submitter. Criteria: Ambry Variant Classification Scheme 2023. Collection method: clinical testing. Allele origin: germline.

NM_002373.6(MAP1A):c.7570T>A (p.Ser2524Thr)

Gene: MAP1A (microtubule associated protein 1A; plus strand). Cytogenetic location: 15q15.3.
Variant type: single nucleotide variant.
Coding change: c.7570T>A on transcript NM_002373.6 (MANE Select); coding-DNA position 7570, T replaced by A.
Protein change: p.Ser2524Thr; replaces serine 2524 with threonine.
Molecular consequence: missense variant.
Genome position (GRCh38, 1-based): chr15:43,529,043, T>A. VCF-style: chr15-43529043-T-A. GRCh37 (hg19) VCF-style: chr15-43821241-T-A.
Other names: c.8284T>A, p.Ser2762Thr (NM_001411089.1); short protein forms S2524T, S2762T.
Identifiers: ClinVar variation 3033548 (VCV003033548.4), dbSNP rs2504715193, ClinGen allele CA392180438.
Genomic context (GRCh38, chr15:43,529,043, plus strand): 5'-AGTGACTCAGGCTCCTCACAGTCAGATTCTGATGTCCCGCCAGAAACTGAGGAGTGTCCG[T>A]CCATCACAGCTGAGGCAGCCCTCGACTCAGATGAAGATGGAGACTTCCTACCTGTGGACA-3'
Protein context (NP_002364.5, residues 2514-2534): DVPPETEECP[Ser2524Thr]ITAEAALDSD